The following is an entry in ClinVar:

ClinVar aggregate classification (germline): Uncertain significance. Review status: criteria provided, multiple submitters, no conflicts (2 of 4 stars). 2 submissions from 2 submitters: Uncertain significance (2). Last evaluated 2022-06-11.

Conditions:
Osteogenesis imperfecta type 7 (OI7). Also called: OSTEOGENESIS IMPERFECTA, TYPE IIB; Osteogenesis imperfecta type 2B; OI type 2B; Osteogenesis imperfecta, perinatal lethal autosomal recessive; OI type IIB; OI type 7. Identifiers: MedGen C1853162, MONDO:0012536, OMIM 610682.

Allele frequency attached by ClinVar (database versions not stated): TOPMed 0.00001; gnomAD 0.00005; ESP Exome Variant Server 0.00008.
gnomAD v4.1: 37 of 1,614,052 alleles (0.0023%); highest among the groups gnomAD compares: East Asian, 0.0022%; no homozygotes.

Submissions (2):

Blueprint Genetics
Classification: Uncertain significance. Last evaluated: 2022-06-11. Review status: criteria provided, single submitter. Criteria: ACMG Guidelines, 2015. Collection method: clinical testing. Allele origin: germline.

Labcorp Genetics (formerly Invitae), Labcorp
Classification: Uncertain significance for Osteogenesis imperfecta type 7. Last evaluated: 2022-03-13. Review status: criteria provided, single submitter. Criteria: Invitae Variant Classification Sherloc (09022015). Collection method: clinical testing. Allele origin: germline.
Comment: This sequence change replaces alanine, which is neutral and non-polar, with threonine, which is neutral and polar, at codon 245 of the CRTAP protein (p.Ala245Thr). This variant is present in population databases (rs145644749, gnomAD 0.05%). This variant has not been reported in the literature in individuals affected with CRTAP-related conditions. Algorithms developed to predict the effect of missense changes on protein structure and function are either unavailable or do not agree on the potential impact of this missense change (SIFT: "Tolerated"; PolyPhen-2: "Possibly Damaging"; Align-GVGD: "Class C0"). In summary, the available evidence is currently insufficient to determine the role of this variant in disease. Therefore, it has been classified as a Variant of Uncertain Significance.

NM_006371.5(CRTAP):c.733G>A (p.Ala245Thr)

Gene: CRTAP (cartilage associated protein; plus strand). Cytogenetic location: 3p22.3.
Variant type: single nucleotide variant.
Coding change: c.733G>A on transcript NM_006371.5 (MANE Select); coding-DNA position 733, G replaced by A.
Protein change: p.Ala245Thr; replaces alanine 245 with threonine.
Molecular consequence: missense variant.
Genome position (GRCh38, 1-based): chr3:33,124,519, G>A. VCF-style: chr3-33124519-G-A. GRCh37 (hg19) VCF-style: chr3-33166011-G-A.
Other names: c.733G>A, p.Ala245Thr (NM_001393363.1, NM_001393364.1); c.583G>A, p.Ala195Thr (NM_001393365.1); short protein forms A195T, A245T.
Identifiers: ClinVar variation 2199002 (VCV002199002.2), dbSNP rs145644749, ClinGen allele CA2300368.
Genomic context (GRCh38, chr3:33,124,519, plus strand): 5'-TCCATCACAGACATGGAGCTGGCCCTTCCCGACTTCTTCAAAGCCTTTTACGAGTGTCTC[G>A]CAGCCTGCGAGGGTTCCAGGGAGATCAAGGACTTCAAGGATTTCTACCTTTCCATAGCAG-3'
Protein context (NP_006362.1, residues 235-255): DFFKAFYECL[Ala245Thr]ACEGSREIKD